The following is an entry in ClinVar:

NM_000258.3(MYL3):c.326T>C (p.Met109Thr)

Gene: MYL3 (myosin light chain 3; minus strand). Cytogenetic location: 3p21.31.
Variant type: single nucleotide variant.
Coding change: c.326T>C on transcript NM_000258.3 (MANE Select); coding-DNA position 326, T replaced by C.
Protein change: p.Met109Thr; replaces methionine 109 with threonine.
Molecular consequence: missense variant.
Genome position (GRCh38, 1-based): chr3:46,859,630, A>G on the plus strand (T>C on the coding strand, the complement: MYL3 is on the minus strand). VCF-style: chr3-46859630-A-G. GRCh37 (hg19) VCF-style: chr3-46901120-A-G.
Other names: short protein forms M109T.
Identifiers: ClinVar variation 1433927 (VCV001433927.7), dbSNP rs1263399755, ClinGen allele CA352496789.

ClinVar aggregate classification (germline): Uncertain significance. Review status: criteria provided, multiple submitters, no conflicts (2 of 4 stars). 2 submissions from 2 submitters: Uncertain significance (2). Last evaluated 2023-09-29.

Conditions:
Hypertrophic cardiomyopathy. Also called: HYPERTROPHIC MYOCARDIOPATHY. Identifiers: Orphanet 217569, MedGen C0007194, MeSH D002312, MONDO:0005045, HP:0001639.

Allele frequency attached by ClinVar (database versions not stated): gnomAD exomes below 0.00001.

Submissions (2):

Labcorp Genetics (formerly Invitae), Labcorp
Classification: Uncertain significance for Hypertrophic cardiomyopathy. Last evaluated: 2023-09-29. Review status: criteria provided, single submitter. Criteria: Invitae Variant Classification Sherloc (09022015). Collection method: clinical testing. Allele origin: germline.
Comment: ClinVar contains an entry for this variant (Variation ID: 1433927). In summary, the available evidence is currently insufficient to determine the role of this variant in disease. Therefore, it has been classified as a Variant of Uncertain Significance. An algorithm developed to predict the effect of missense changes on protein structure and function (PolyPhen-2) suggests that this variant is likely to be tolerated. This variant has not been reported in the literature in individuals affected with MYL3-related conditions. This variant is present in population databases (no rsID available, gnomAD 0.0009%). This sequence change replaces methionine, which is neutral and non-polar, with threonine, which is neutral and polar, at codon 109 of the MYL3 protein (p.Met109Thr).

All of Us Research Program, National Institutes of Health
Classification: Uncertain significance for Hypertrophic cardiomyopathy. Last evaluated: 2023-05-30. Review status: criteria provided, single submitter. Criteria: ACMG Guidelines, 2015. Collection method: clinical testing. Allele origin: germline. Inheritance: Autosomal dominant inheritance. Observed: 1 variant allele, 1 heterozygote.
Comment: This missense variant replaces methionine with threonine at codon 109 of the MYL3 protein. Computational prediction is inconclusive regarding the impact of this variant on protein structure and function (internally defined REVEL score threshold 0.5 < inconclusive < 0.7, PMID: 27666373). To our knowledge, functional studies have not been reported for this variant. This variant has not been reported in individuals affected with MYL3-related disorders in the literature. This variant has not been identified in the general population by the Genome Aggregation Database (gnomAD). The available evidence is insufficient to determine the role of this variant in disease conclusively. Therefore, this variant is classified as a Variant of Uncertain Significance.

This study involves interpretation of variants in research participants for the purpose of population health screening. Participant phenotype was not available at the time of variant classification. Additional details can be found in publication PMID: 35346344, PMCID: PMC8962531